The following is an entry in ClinVar:

ClinVar aggregate classification (germline): Conflicting classifications of pathogenicity. Review status: criteria provided, conflicting classifications (1 of 4 stars). 9 submissions from 8 submitters: Uncertain significance (2); Benign (3); Likely benign (2). 2 of the submissions do not count toward it. Last evaluated 2026-01-23.

Conditions:
NOD2-related disorder. Also called: NOD2-related condition.
Inflammatory bowel disease 1 (IBD1). Also called: Inflammatory bowel disease 1, Crohn disease; INFLAMMATORY BOWEL DISEASE (CROHN DISEASE) 1. Identifiers: MedGen CN260071, MONDO:0009960, OMIM 266600.
Autoinflammatory syndrome. Identifiers: Orphanet 93665, MedGen C3890737, MONDO:0019751.
Blau syndrome (BLAUS). Also called: GRANULOMATOSIS, FAMILIAL JUVENILE SYSTEMIC; GRANULOMATOSIS, FAMILIAL, BLAU TYPE; GRANULOMATOUS INFLAMMATORY ARTHRITIS, DERMATITIS, AND UVEITIS, FAMILIAL; JABS SYNDROME; ARTHROCUTANEOUVEAL GRANULOMATOSIS. Identifiers: Orphanet 90340, MedGen C5201146, MONDO:0008523, OMIM 186580.
Regional enteritis. Also called: Enteritis, Granulomatous. Identifiers: MedGen C0678202, MeSH D003424.

Allele frequency attached by ClinVar (database versions not stated): ESP Exome Variant Server 0.00015; gnomAD 0.00019; TOPMed 0.00032; 1000 Genomes Project 0.00080; 1000 Genomes Project 30x 0.00094.
gnomAD v4.1: 156 of 1,614,060 alleles (0.0097%); highest among the groups gnomAD compares: African/African-American, 0.11%; no homozygotes.

Submissions (9):

Women's Health and Genetics/Laboratory Corporation of America, LabCorp
Classification: Benign. Last evaluated: 2026-01-23. Review status: criteria provided, single submitter. Criteria: LabCorp Variant Classification Summary - May 2015. Collection method: clinical testing. Allele origin: germline.

Labcorp Genetics (formerly Invitae), Labcorp
Classification: Benign for Regional enteritis; Blau syndrome. Last evaluated: 2025-10-08. Review status: criteria provided, single submitter. Criteria: Invitae Variant Classification Sherloc (09022015). Collection method: clinical testing. Allele origin: germline.

Blueprint Genetics
Classification: Likely benign. Last evaluated: 2022-11-24. Review status: criteria provided, single submitter. Criteria: ACMG Guidelines, 2015. Collection method: clinical testing. Allele origin: germline.

CeGaT Center for Human Genetics Tuebingen
Classification: Likely benign. Last evaluated: 2022-04-01. Review status: criteria provided, single submitter. Criteria: CeGaT Center For Human Genetics Tuebingen Variant Classification Criteria Version 2. Collection method: clinical testing. Allele origin: germline. Affected: yes. Observed: 2 variant alleles.
Comment: NOD2: BP4, BP7

Genome Diagnostics Laboratory, The Hospital for Sick Children
Classification: Uncertain significance for Autoinflammatory syndrome. Last evaluated: 2018-07-01. Review status: criteria provided, single submitter. Criteria: ACMG Guidelines, 2015. Collection method: clinical testing. Allele origin: germline. Affected: yes.

Illumina Laboratory Services, Illumina
Classification: Uncertain significance for Inflammatory bowel disease 1. Last evaluated: 2018-01-13. Review status: criteria provided, single submitter. Criteria: ICSL Variant Classification Criteria 13 December 2019. Collection method: clinical testing. Allele origin: germline.

Illumina Laboratory Services, Illumina
Classification: Benign for Blau syndrome. Last evaluated: 2018-01-13. Review status: criteria provided, single submitter. Criteria: ICSL Variant Classification Criteria 13 December 2019. Collection method: clinical testing. Allele origin: germline.
Comment: This variant was observed in the ICSL laboratory as part of a predisposition screen in an ostensibly healthy population. It had not been previously curated by ICSL or reported in the Human Gene Mutation Database (HGMD: prior to June 1st, 2018), and was therefore a candidate for classification through an automated scoring system. Utilizing variant allele frequency, disease prevalence and penetrance estimates, and inheritance mode, an automated score was calculated to assess if this variant is too frequent to cause the disease. Based on the score and internal cut-off values, a variant classified as benign is not then subjected to further curation. The score for this variant resulted in a classification of benign for this disease.

PreventionGenetics, part of Exact Sciences
Classification: Likely benign for NOD2-related condition. Last evaluated: 2024-03-12. Review status: no assertion criteria provided. Collection method: clinical testing. Allele origin: germline. Not counted in ClinVar's aggregate classification.
Comment: This variant is classified as likely benign based on ACMG/AMP sequence variant interpretation guidelines (Richards et al. 2015 PMID: 25741868, with internal and published modifications).

Unité médicale des maladies autoinflammatoires, CHRU Montpellier
No classification provided. Condition: Sarcoidosis, early-onset. Review status: no classification provided. Collection method: not provided. Allele origin: unknown. Not counted in ClinVar's aggregate classification.
Comment: also involved in OMIM 186580 and 266600

NM_001370466.1(NOD2):c.1200G>A (p.Pro400=)

Gene: NOD2 (nucleotide binding oligomerization domain containing 2; plus strand). Cytogenetic location: 16q12.1.
Variant type: single nucleotide variant.
Coding change: c.1200G>A on transcript NM_001370466.1 (MANE Select); coding-DNA position 1200, G replaced by A.
Protein change: p.Pro400=; no amino-acid change (proline 400 retained).
Molecular consequence: synonymous variant. On other transcripts: non-coding transcript variant (1).
Genome position (GRCh38, 1-based): chr16:50,711,192, G>A. VCF-style: chr16-50711192-G-A. GRCh37 (hg19) VCF-style: chr16-50745103-G-A.
Other names: c.1281G>A (LRG_177t1); c.1200G>A, p.Pro400= (NM_001293557.2); c.1281G>A, p.Pro427= (NM_022162.3).
Identifiers: ClinVar variation 97825 (VCV000097825.59), dbSNP rs104895430, ClinGen allele CA150187.